The following is an entry in ClinVar:

NM_007194.4(CHEK2):c.1248del (p.Leu417fs)

Gene: CHEK2 (checkpoint kinase 2; minus strand). Cytogenetic location: 22q12.1.
Variant type: Deletion.
Coding change: c.1248del on transcript NM_007194.4 (MANE Select); coding-DNA position 1248, one base deleted (T; older notation c.1248delT).
Protein change: p.Leu417fs; shifts the reading frame from leucine 417.
Molecular consequence: frameshift variant.
Genome position (GRCh38, 1-based): chr22:28,695,721, A deleted on the plus strand (T on the coding strand, the reverse complement: CHEK2 is on the minus strand); the first of 2 consecutive A bases (chr22:28,695,721-28,695,722); deleting either gives the same sequence. VCF-style (leftmost placement, unchanged base first): chr22-28695720-GA-G. GRCh37 (hg19) VCF-style: chr22-29091708-GA-G.
Other names: c.1376delT, p.Leu460Phefs (NM_001005735.3); c.584delT, p.Leu196Phefs (NM_001257387.3); c.1046delT, p.Leu350Phefs (NM_001349956.3); c.1160delT, p.Leu388Phefs (NM_145862.3); short protein forms L196fs, L350fs, L388fs, L417fs, L460fs.
Identifiers: ClinVar variation 1072210 (VCV001072210.9), dbSNP rs2145801216, ClinGen allele CA2499226061.

ClinVar aggregate classification (germline): Pathogenic. Review status: criteria provided, multiple submitters, no conflicts (2 of 4 stars). 2 submissions from 2 submitters: Pathogenic (2). Last evaluated 2025-01-29.

Conditions:
Familial cancer of breast. Also called: Hereditary breast cancer; hereditary breast carcinoma; BREAST CANCER, FAMILIAL. Identifiers: Orphanet 227535, MedGen C0346153, MONDO:0016419, OMIM 114480. Disease mechanism: loss of function.

Submissions (2):

Labcorp Genetics (formerly Invitae), Labcorp
Classification: Pathogenic for Familial cancer of breast. Last evaluated: 2025-01-29. Review status: criteria provided, single submitter. Criteria: Invitae Variant Classification Sherloc (09022015). Collection method: clinical testing. Allele origin: germline.
Comment: This sequence change creates a premature translational stop signal (p.Leu417Phefs*20) in the CHEK2 gene. It is expected to result in an absent or disrupted protein product. Loss-of-function variants in CHEK2 are known to be pathogenic (PMID: 21876083, 24713400). This variant is not present in population databases (gnomAD no frequency). This variant has not been reported in the literature in individuals affected with CHEK2-related conditions. ClinVar contains an entry for this variant (Variation ID: 1072210). For these reasons, this variant has been classified as Pathogenic.

Myriad Genetics, Inc.
Classification: Pathogenic for Familial cancer of breast. Last evaluated: 2023-06-28. Review status: criteria provided, single submitter. Criteria: Myriad Autosomal Dominant, Autosomal Recessive and X-Linked Classification Criteria (2023). Collection method: clinical testing. Allele origin: unknown.
Comment: This variant is considered pathogenic. This variant creates a frameshift predicted to result in premature protein truncation.

Literature cited by the submitters: PubMed 21876083 (cited by Labcorp Genetics (formerly Invitae), Labcorp); PubMed 24713400 (cited by Labcorp Genetics (formerly Invitae), Labcorp).